The following is an entry in ClinVar:

NM_014593.4(CXXC1):c.1011dup (p.Glu338Ter)

Gene: CXXC1 (CXXC finger protein 1; minus strand). Cytogenetic location: 18q21.1.
Variant type: Duplication.
Coding change: c.1011dup on transcript NM_014593.4 (MANE Select); coding-DNA position 1011, one base duplicated (T; older notation c.1011dupT).
Protein change: p.Glu338Ter; replaces glutamic acid 338 with a stop codon.
Molecular consequence: nonsense.
Genome position (GRCh38, 1-based): chr18:50,284,741, A duplicated on the plus strand (T on the coding strand, the reverse complement: CXXC1 is on the minus strand). VCF-style (leftmost placement, unchanged base first): chr18-50284740-C-CA. GRCh37 (hg19) VCF-style: chr18-47811110-C-CA.
Other names: c.1011dup, p.Glu338Ter (NM_001101654.2); short protein forms E338*.
Identifiers: ClinVar variation 5042736 (VCV005042736.1).

ClinVar aggregate classification (germline): Uncertain significance (1 of 4 stars; one submission).

Conditions:
CXXC1-Related Neurodevelopmental disorder.

Submission:

Systems Biology Laboratory, Department of Convergent Bioscience and Informatics, Chungnam National University
Classification: Uncertain significance for CXXC1-Related Neurodevelopmental disorder. Last evaluated: 2026-10-01. Review status: criteria provided, single submitter. Criteria: ACMG Guidelines, 2015. Collection method: research. Allele origin: de novo. Inheritance: Autosomal dominant inheritance. Affected: yes. Observed: 1 variant allele, 1 heterozygote.
Comment: PM2_Supporting (absent from gnomAD v4.1, 1) = 1 point. De novo truncating variant; PVS1 and PS2 not applied because no established CXXC1 gene-disease relationship exists.